The following is an entry in ClinVar:

NM_172245.4(CSF2RA):c.999G>A (p.Val333=)

Gene: CSF2RA (colony stimulating factor 2 receptor subunit alpha; plus strand). Cytogenetic location: Xp22.33.
Variant type: single nucleotide variant.
Coding change: c.999G>A on transcript NM_172245.4 (MANE Select); coding-DNA position 999, G replaced by A.
Protein change: p.Val333=; no amino-acid change (valine 333 retained).
Molecular consequence: synonymous variant. On other transcripts: non-coding transcript variant (1), intron variant (7).
Genome position (GRCh38, 1-based): chrX:1,303,975, G>A. VCF-style: chrX-1303975-G-A. GRCh37 (hg19) VCF-style: chrX-1422868-G-A.
Other names: p.Val333=; c.999G>A, p.Val333= (NM_001161529.2, NM_001161531.2, NM_001379155.1 and 9 more transcripts); c.999G>A (NM_006140.5); c.1101G>A, p.Val367= (NM_001161530.2, NM_001379153.1, NM_001379154.1); c.600G>A, p.Val200= (NM_001161532.2); c.969G>A, p.Val323= (NM_001379160.1); c.947-1471G>A (NM_001379167.1, NM_001379169.1, NM_172247.3 and 1 more transcripts); c.946+3349G>A (NM_172246.4); and 2 more.
Identifiers: ClinVar variation 178717 (VCV000178717.20), dbSNP rs28460440, ClinGen allele CA182866.

ClinVar aggregate classification (germline): Benign/Likely benign. Review status: criteria provided, multiple submitters, no conflicts (2 of 4 stars). 6 submissions from 6 submitters: Benign (5); Likely benign (1). Last evaluated 2026-02-04.

Conditions:
Surfactant metabolism dysfunction, pulmonary, 4 (SMDP4). Also called: CSF2RA DEFICIENCY; PAP DUE TO CSF2RA DEFICIENCY; PULMONARY ALVEOLAR PROTEINOSIS, CONGENITAL, 4. Identifiers: Orphanet 264675, MedGen C2677877, MONDO:0010424, OMIM 300770.

Allele frequency attached by ClinVar (database versions not stated): 1000 Genomes Project 0.32662; 1000 Genomes Project 30x 0.32758; TOPMed 0.36212; gnomAD 0.36810 and 0.37040; ExAC 0.37150; gnomAD exomes 0.37306 and 0.40307; ESP Exome Variant Server 0.37983.
gnomAD v4.1: 643,619 of 1,611,098 alleles (40%); highest among the groups gnomAD compares: Non-Finnish European, 42%; 130,600 homozygotes.

Submissions (6):

Labcorp Genetics (formerly Invitae), Labcorp
Classification: Benign for Surfactant metabolism dysfunction, pulmonary, 4. Last evaluated: 2026-02-04. Review status: criteria provided, single submitter. Criteria: Invitae Variant Classification Sherloc (09022015). Collection method: clinical testing. Allele origin: germline.

Blueprint Genetics
Classification: Likely benign. Last evaluated: 2024-11-28. Review status: criteria provided, single submitter. Criteria: ACMG Guidelines, 2015. Collection method: clinical testing. Allele origin: germline.

GeneDx
Classification: Benign. Last evaluated: 2018-12-22. Review status: criteria provided, single submitter. Criteria: GeneDx Variant Classification Process June 2021. Collection method: clinical testing. Allele origin: germline. Affected: yes.

Mayo Clinic Laboratories, Mayo Clinic
Classification: Benign. Last evaluated: 2018-06-05. Review status: criteria provided, single submitter. Criteria: ACMG Guidelines, 2015. Collection method: clinical testing. Allele origin: germline. Observed: 24 variant alleles.

Laboratory for Molecular Medicine, Mass General Brigham Personalized Medicine
Classification: Benign. Last evaluated: 2013-02-21. Review status: criteria provided, single submitter. Criteria: LMM Criteria. Collection method: clinical testing. Allele origin: germline. Observed: 86 variant alleles.
Comment: Val333Val in exon 12 of CSF2RA: This variant is not expected to have clinical si gnificance because it does not alter an amino acid residue and is not located wi thin the splice consensus sequence. It has been identified in 43.0% (3695/8592) of European American chromosomes from a broad population by the NHLBI Exome Sequ encing Project (dbSNP rs146020675).

Breakthrough Genomics
Classification: Benign. Review status: criteria provided, single submitter. Criteria: ACMG Guidelines, 2015. Collection method: not provided. Allele origin: germline. Inheritance: Unknown mechanism. Affected: yes.